The following is an entry in ClinVar:

NM_152866.3(MS4A1):c.778G>A (p.Glu260Lys)

Gene: MS4A1 (membrane spanning 4-domains A1; plus strand). Cytogenetic location: 11q12.2.
Variant type: single nucleotide variant.
Coding change: c.778G>A on transcript NM_152866.3 (MANE Select); coding-DNA position 778, G replaced by A.
Protein change: p.Glu260Lys; replaces glutamic acid 260 with lysine.
Molecular consequence: missense variant.
Genome position (GRCh38, 1-based): chr11:60,468,352, G>A. VCF-style: chr11-60468352-G-A. GRCh37 (hg19) VCF-style: chr11-60235825-G-A.
Other names: c.778G>A, p.Glu260Lys (NM_021950.4, NM_152867.2); short protein forms E260K.
Identifiers: ClinVar variation 3699173 (VCV003699173.3).

ClinVar aggregate classification (germline): Uncertain significance. Review status: criteria provided, multiple submitters, no conflicts (2 of 4 stars). 2 submissions from 2 submitters: Uncertain significance (2). Last evaluated 2025-08-15.

gnomAD v4.1: 2 of 1,614,050 alleles (0.00012%); highest among the groups gnomAD compares: Admixed American, 0.0033%; no homozygotes.

Submissions (2):

Ambry Genetics
Classification: Uncertain significance. Last evaluated: 2025-08-15. Review status: criteria provided, single submitter. Criteria: Ambry Variant Classification Scheme 2023. Collection method: clinical testing. Allele origin: germline.

Labcorp Genetics (formerly Invitae), Labcorp
Classification: Uncertain significance. Last evaluated: 2024-09-11. Review status: criteria provided, single submitter. Criteria: Invitae Variant Classification Sherloc (09022015). Collection method: clinical testing. Allele origin: germline.
Comment: This sequence change replaces glutamic acid, which is acidic and polar, with lysine, which is basic and polar, at codon 260 of the MS4A1 protein (p.Glu260Lys). This variant is present in population databases (rs769876283, gnomAD 0.006%). This variant has not been reported in the literature in individuals affected with MS4A1-related conditions. An algorithm developed to predict the effect of missense changes on protein structure and function (PolyPhen-2) suggests that this variant is likely to be disruptive. In summary, the available evidence is currently insufficient to determine the role of this variant in disease. Therefore, it has been classified as a Variant of Uncertain Significance.